The following is an entry in ClinVar:

NM_001142864.4(PIEZO1):c.4877C>T (p.Thr1626Ile)

Gene: PIEZO1 (piezo type mechanosensitive ion channel component 1 (Er blood group); minus strand). Cytogenetic location: 16q24.3.
Variant type: single nucleotide variant.
Coding change: c.4877C>T on transcript NM_001142864.4 (MANE Select); coding-DNA position 4877, C replaced by T.
Protein change: p.Thr1626Ile; replaces threonine 1626 with isoleucine.
Molecular consequence: missense variant.
Genome position (GRCh38, 1-based): chr16:88,722,296, G>A on the plus strand (C>T on the coding strand, the complement: PIEZO1 is on the minus strand). VCF-style: chr16-88722296-G-A. GRCh37 (hg19) VCF-style: chr16-88788704-G-A.
Other names: c.3419C>T, p.Thr1140Ile (NM_014745.1); short protein forms T1140I, T1626I.
Identifiers: ClinVar variation 3027304 (VCV003027304.22), dbSNP rs932747271, ClinGen allele CA397094255.
Genomic context (GRCh38, chr16:88,722,296, plus strand): 5'-CTGGCCGTCCGCATCAGTCCCTGGTACAGAGAGGCACCAGCCTCACGCTCCCCGGGGTCG[G>A]TGACTGCCTCCTCACTGCCACTGCGCGTGTGGTAGCCGGTGCTCAGGGGGCTGCCCATGT-3'
Protein context (NP_001136336.2, residues 1616-1636): HTRSGSEEAV[Thr1626Ile]DPGEREAGAS

ClinVar aggregate classification (germline): Uncertain significance (1 of 4 stars; one submission).

Submission:

CeGaT Center for Human Genetics Tuebingen
Classification: Uncertain significance. Last evaluated: 2024-02-01. Review status: criteria provided, single submitter. Criteria: CeGaT Center For Human Genetics Tuebingen Variant Classification Criteria Version 2. Collection method: clinical testing. Allele origin: germline. Affected: yes. Observed: 1 variant allele.
Comment: PIEZO1: PM2, BP4